The following is an entry in ClinVar:

ClinVar aggregate classification (germline): Uncertain significance (1 of 4 stars; one submission).

Conditions:
Inborn genetic diseases. Identifiers: MedGen C0950123, MeSH D030342.

Allele frequency attached by ClinVar (database versions not stated): gnomAD exomes below 0.00001; gnomAD 0.00001; TOPMed 0.00001; ExAC 0.00002.

Submission:

Ambry Genetics
Classification: Uncertain significance for Inborn genetic diseases. Last evaluated: 2018-04-19. Review status: criteria provided, single submitter. Criteria: Ambry Variant Classification Scheme 2023. Collection method: clinical testing. Allele origin: germline.
Comment: The p.S316T variant (also known as c.947G>C), located in coding exon 7 of the IDS gene, results from a G to C substitution at nucleotide position 947. The serine at codon 316 is replaced by threonine, an amino acid with similar properties. This amino acid position is not well conserved in available vertebrate species. In addition, this alteration is predicted to be tolerated by in silico analysis. Since supporting evidence is limited at this time, the clinical significance of this alteration remains unclear.

NM_000202.8(IDS):c.947G>C (p.Ser316Thr)

Genes: IDS (iduronate 2-sulfatase; minus strand), LOC106050102 (IDS recombination region; plus strand). Cytogenetic location: Xq28.
Variant type: single nucleotide variant.
Coding change: c.947G>C on transcript NM_000202.8 (MANE Select); coding-DNA position 947, G replaced by C.
Protein change: p.Ser316Thr; replaces serine 316 with threonine.
Molecular consequence: missense variant. On other transcripts: non-coding transcript variant (1).
Genome position (GRCh38, 1-based): chrX:149,490,373, C>G on the plus strand (G>C on the coding strand, the complement: IDS is on the minus strand). VCF-style: chrX-149490373-C-G. GRCh37 (hg19) VCF-style: chrX-148571904-C-G.
Other names: c.677G>C, p.Ser226Thr (NM_001166550.4); c.947G>C, p.Ser316Thr (NM_006123.5); short protein forms S316T, S226T.
Identifiers: ClinVar variation 1767093 (VCV001767093.2), dbSNP rs782261642, ClinGen allele CA10537545.
Genomic context (GRCh38, chrX:149,490,373, plus strand): 5'-CCATGATCCGAGGTAAATGCAATGATGGTGCTGTTGGCCAGCTGAAGATCGTCCAAAGCA[C>G]TCAAGAGGCGGCCGACCTGTGTATCCAAATATGACACAGAGGCAAAGTAGCTCTGGCGGA-3'
Protein context (NP_000193.1, residues 306-326): YLDTQVGRLL[Ser316Thr]ALDDLQLANS